The following is an entry in ClinVar:

NM_006065.5(SIRPB1):c.465T>C (p.Pro155=)

Gene: SIRPB1 (signal regulatory protein beta 1; minus strand). Cytogenetic location: 20p13.
Variant type: single nucleotide variant.
Coding change: c.465T>C on transcript NM_006065.5 (MANE Select); coding-DNA position 465, T replaced by C.
Protein change: p.Pro155=; no amino-acid change (proline 155 retained).
Molecular consequence: synonymous variant. On other transcripts: intron variant (2).
Genome position (GRCh38, 1-based): chr20:1,572,006, A>G on the plus strand (T>C on the coding strand, the complement: SIRPB1 is on the minus strand). VCF-style: chr20-1572006-A-G. GRCh37 (hg19) VCF-style: chr20-1552652-A-G.
Other names: c.434-5739T>C (NM_001083910.4); c.431-5739T>C (NM_001330639.2).
Identifiers: ClinVar variation 5038623 (VCV005038623.1).

ClinVar aggregate classification (germline): Likely benign (1 of 4 stars; one submission).

gnomAD v4.1: 836 of 1,613,972 alleles (0.052%); highest among the groups gnomAD compares: African/African-American, 0.6%; 3 homozygotes.

Submission:

CeGaT Center for Human Genetics Tuebingen
Classification: Likely benign. Last evaluated: 2026-07-01. Review status: criteria provided, single submitter. Criteria: CeGaT Center For Human Genetics Tuebingen Variant Classification Criteria Version 2. Collection method: clinical testing. Allele origin: germline. Affected: yes. Observed: 1 variant allele.
Comment: SIRPB1: BP4, BP7